The following is an entry in ClinVar:

ClinVar aggregate classification (germline): Uncertain significance (1 of 4 stars; one submission).

Conditions:
Dilated cardiomyopathy 1O (CMD1O). Also called: CARDIOMYOPATHY, DILATED, WITH VENTRICULAR TACHYCARDIA. Identifiers: Orphanet 154, MedGen C1837839, MONDO:0012062, OMIM 608569.

Submission:

Labcorp Genetics (formerly Invitae), Labcorp
Classification: Uncertain significance for Dilated cardiomyopathy 1O. Last evaluated: 2024-10-15. Review status: criteria provided, single submitter. Criteria: Invitae Variant Classification Sherloc (09022015). Collection method: clinical testing. Allele origin: germline.
Comment: This sequence change replaces leucine, which is neutral and non-polar, with phenylalanine, which is neutral and non-polar, at codon 1078 of the ABCC9 protein (p.Leu1078Phe). This variant is not present in population databases (gnomAD no frequency). This variant has not been reported in the literature in individuals affected with ABCC9-related conditions. Invitae Evidence Modeling of protein sequence and biophysical properties (such as structural, functional, and spatial information, amino acid conservation, physicochemical variation, residue mobility, and thermodynamic stability) indicates that this missense variant is expected to disrupt ABCC9 protein function with a positive predictive value of 80%. In summary, the available evidence is currently insufficient to determine the role of this variant in disease. Therefore, it has been classified as a Variant of Uncertain Significance.

NM_020297.4(ABCC9):c.3232C>T (p.Leu1078Phe)

Gene: ABCC9 (ATP binding cassette subfamily C member 9; minus strand). Cytogenetic location: 12p12.1.
Variant type: single nucleotide variant.
Coding change: c.3232C>T on transcript NM_020297.4 (MANE Select); coding-DNA position 3232, C replaced by T.
Protein change: p.Leu1078Phe; replaces leucine 1078 with phenylalanine.
Molecular consequence: missense variant.
Genome position (GRCh38, 1-based): chr12:21,844,780, G>A on the plus strand (C>T on the coding strand, the complement: ABCC9 is on the minus strand). VCF-style: chr12-21844780-G-A. GRCh37 (hg19) VCF-style: chr12-21997714-G-A.
Other names: c.3232C>T, p.Leu1078Phe (NM_001377273.1, NM_005691.4); c.2365C>T, p.Leu789Phe (NM_001377274.1); short protein forms L1078F, L789F.
Identifiers: ClinVar variation 3718598 (VCV003718598.2).
Genomic context (GRCh38, chr12:21,844,780, plus strand): 5'-ATTTTTATTATTTTATGTGTGGGAGTGAGAAATAACCACTGTTTTACCTTATTGGTCCAA[G>A]GATTATCTTATTGAGAAGGTTGTGGTGAAGATTTTTGGCAGCTGTGAGACCCATCCATTC-3'
Protein context (NP_064693.2, residues 1068-1088): LHHNLLNKII[Leu1078Phe]GPIRFFDTTP